The following is an entry in ClinVar:

ClinVar aggregate classification (germline): Uncertain significance. Review status: criteria provided, multiple submitters, no conflicts (2 of 4 stars). 2 submissions from 2 submitters: Uncertain significance (2). Last evaluated 2024-09-01.

Allele frequency attached by ClinVar (database versions not stated): gnomAD 0.00003 and 0.00004; gnomAD exomes 0.00005 and 0.00006; TOPMed 0.00006; ExAC 0.00007; 1000 Genomes Project 30x 0.00016; 1000 Genomes Project 0.00020.
gnomAD v4.1: 91 of 1,613,160 alleles (0.0056%); highest among the groups gnomAD compares: Non-Finnish European, 0.0062%; 1 homozygote.

Submissions (2):

Blueprint Genetics
Classification: Uncertain significance. Last evaluated: 2024-09-01. Review status: criteria provided, single submitter. Criteria: ACMG Guidelines, 2015. Collection method: clinical testing. Allele origin: germline.

Labcorp Genetics (formerly Invitae), Labcorp
Classification: Uncertain significance. Last evaluated: 2023-11-20. Review status: criteria provided, single submitter. Criteria: Invitae Variant Classification Sherloc (09022015). Collection method: clinical testing. Allele origin: germline.
Comment: This sequence change affects codon 793 of the COL18A1 mRNA. It is a 'silent' change, meaning that it does not change the encoded amino acid sequence of the COL18A1 protein. This variant also falls at the last nucleotide of exon 27, which is part of the consensus splice site for this exon. This variant is present in population databases (rs560605850, gnomAD 0.01%). This variant has not been reported in the literature in individuals affected with COL18A1-related conditions. ClinVar contains an entry for this variant (Variation ID: 1428746). Variants that disrupt the consensus splice site are a relatively common cause of aberrant splicing (PMID: 17576681, 9536098). Algorithms developed to predict the effect of sequence changes on RNA splicing suggest that this variant is not likely to affect RNA splicing. In summary, the available evidence is currently insufficient to determine the role of this variant in disease. Therefore, it has been classified as a Variant of Uncertain Significance.

Literature cited by the submitters: PubMed 17576681 (cited by Labcorp Genetics (formerly Invitae), Labcorp); PubMed 9536098 (cited by Labcorp Genetics (formerly Invitae), Labcorp).

NM_001379500.1(COL18A1):c.2379G>A (p.Pro793=)

Gene: COL18A1 (collagen type XVIII alpha 1 chain; plus strand). Cytogenetic location: 21q22.3.
Variant type: single nucleotide variant.
Coding change: c.2379G>A on transcript NM_001379500.1 (MANE Select); coding-DNA position 2379, G replaced by A.
Protein change: p.Pro793=; no amino-acid change (proline 793 retained).
Molecular consequence: synonymous variant.
Genome position (GRCh38, 1-based): chr21:45,494,571, G>A. VCF-style: chr21-45494571-G-A. GRCh37 (hg19) VCF-style: chr21-46914485-G-A.
Other names: c.2919G>A, p.Pro973= (NM_030582.4); c.3624G>A, p.Pro1208= (NM_130444.3).
Identifiers: ClinVar variation 1428746 (VCV001428746.5), dbSNP rs560605850, ClinGen allele CA10067028.